The following is an entry in ClinVar:

NM_052947.4(ALPK2):c.4148T>C (p.Met1383Thr)

Genes: ALPK2 (alpha kinase 2; minus strand), LOC126862764 (BRD4-independent group 4 enhancer GRCh37_chr18:56202574-56203773; plus strand). Cytogenetic location: 18q21.31.
Variant type: single nucleotide variant.
Coding change: c.4148T>C on transcript NM_052947.4 (MANE Select); coding-DNA position 4148, T replaced by C.
Protein change: p.Met1383Thr; replaces methionine 1383 with threonine.
Molecular consequence: missense variant.
Genome position (GRCh38, 1-based): chr18:58,536,039, A>G on the plus strand (T>C on the coding strand, the complement: ALPK2 is on the minus strand). VCF-style: chr18-58536039-A-G. GRCh37 (hg19) VCF-style: chr18-56203271-A-G.
Other names: short protein forms M1383T.
Identifiers: ClinVar variation 3290584 (VCV003290584.1).

ClinVar aggregate classification (germline): Uncertain significance (1 of 4 stars; one submission).

Submission:

Ambry Genetics
Classification: Uncertain significance. Last evaluated: 2024-05-30. Review status: criteria provided, single submitter. Criteria: Ambry Variant Classification Scheme 2023. Collection method: clinical testing. Allele origin: germline.
Comment: The p.M1383T variant (also known as c.4148T>C), located in coding exon 4 of the ALPK2 gene, results from a T to C substitution at nucleotide position 4148. The methionine at codon 1383 is replaced by threonine, an amino acid with similar properties. This amino acid position is conserved. In addition, this alteration is predicted to be tolerated by in silico analysis. Based on the available evidence, the clinical significance of this variant remains unclear.